The following is an entry in ClinVar:

NM_025233.7(COASY):c.1220T>C (p.Val407Ala)

Gene: COASY (Coenzyme A synthase; plus strand). Cytogenetic location: 17q21.2.
Variant type: single nucleotide variant.
Coding change: c.1220T>C on transcript NM_025233.7 (MANE Select); coding-DNA position 1220, T replaced by C.
Protein change: p.Val407Ala; replaces valine 407 with alanine.
Molecular consequence: missense variant.
Genome position (GRCh38, 1-based): chr17:42,564,881, T>C. VCF-style: chr17-42564881-T-C. GRCh37 (hg19) VCF-style: chr17-40716899-T-C.
Other names: c.1220T>C, p.Val407Ala (NM_001042529.3); c.1307T>C, p.Val436Ala (NM_001042532.4); short protein forms V407A, V436A.
Identifiers: ClinVar variation 1974368 (VCV001974368.2), dbSNP rs1567905480, ClinGen allele CA399597479.

ClinVar aggregate classification (germline): Uncertain significance (1 of 4 stars; one submission).

Conditions:
Neurodegeneration with brain iron accumulation 6 (NBIA6). Also called: COASY protein-associated neurodegeneration. Identifiers: Orphanet 397725, MedGen C4517377, MONDO:0014290, OMIM 615643.

Allele frequency attached by ClinVar (database versions not stated): gnomAD exomes 0.00001.

Submission:

Labcorp Genetics (formerly Invitae), Labcorp
Classification: Uncertain significance for Neurodegeneration with brain iron accumulation 6. Last evaluated: 2022-08-31. Review status: criteria provided, single submitter. Criteria: Invitae Variant Classification Sherloc (09022015). Collection method: clinical testing. Allele origin: germline.
Comment: This sequence change replaces valine, which is neutral and non-polar, with alanine, which is neutral and non-polar, at codon 407 of the COASY protein (p.Val407Ala). This variant is not present in population databases (gnomAD no frequency). This variant has not been reported in the literature in individuals affected with COASY-related conditions. Algorithms developed to predict the effect of missense changes on protein structure and function are either unavailable or do not agree on the potential impact of this missense change (SIFT: "Deleterious"; PolyPhen-2: "Benign"; Align-GVGD: "Class C0"). In summary, the available evidence is currently insufficient to determine the role of this variant in disease. Therefore, it has been classified as a Variant of Uncertain Significance.